The following is an entry in ClinVar:

ClinVar aggregate classification (germline): Uncertain significance. Review status: criteria provided, multiple submitters, no conflicts (2 of 4 stars). 2 submissions from 2 submitters: Uncertain significance (2). Last evaluated 2024-01-22.

Conditions:
Charcot-Marie-Tooth disease type 2. Also called: Charcot-Marie-Tooth type 2. Identifiers: Orphanet 64746, MedGen C0270914, MONDO:0018993.
Inborn genetic diseases. Identifiers: MedGen C0950123, MeSH D030342.

gnomAD v4.1: 2 of 1,614,090 alleles (0.00012%); highest among the groups gnomAD compares: Non-Finnish European, 0.00017%; no homozygotes.

Submissions (2):

Ambry Genetics
Classification: Uncertain significance for Inborn genetic diseases. Last evaluated: 2024-01-22. Review status: criteria provided, single submitter. Criteria: Ambry Variant Classification Scheme 2023. Collection method: clinical testing. Allele origin: germline.

Labcorp Genetics (formerly Invitae), Labcorp
Classification: Uncertain significance for Charcot-Marie-Tooth disease type 2. Last evaluated: 2022-07-30. Review status: criteria provided, single submitter. Criteria: Invitae Variant Classification Sherloc (09022015). Collection method: clinical testing. Allele origin: germline.
Comment: This variant is not present in population databases (gnomAD no frequency). This variant has not been reported in the literature in individuals affected with AARS-related conditions. This sequence change replaces methionine, which is neutral and non-polar, with threonine, which is neutral and polar, at codon 63 of the AARS protein (p.Met63Thr). Algorithms developed to predict the effect of missense changes on protein structure and function are either unavailable or do not agree on the potential impact of this missense change (SIFT: "Deleterious"; PolyPhen-2: "Benign"; Align-GVGD: "Class C0"). In summary, the available evidence is currently insufficient to determine the role of this variant in disease. Therefore, it has been classified as a Variant of Uncertain Significance.

NM_001605.3(AARS1):c.188T>C (p.Met63Thr)

Gene: AARS1 (alanyl-tRNA synthetase 1; minus strand). Cytogenetic location: 16q22.1.
Variant type: single nucleotide variant.
Coding change: c.188T>C on transcript NM_001605.3 (MANE Select); coding-DNA position 188, T replaced by C.
Protein change: p.Met63Thr; replaces methionine 63 with threonine.
Molecular consequence: missense variant.
Genome position (GRCh38, 1-based): chr16:70,277,111, A>G on the plus strand (T>C on the coding strand, the complement: AARS1 is on the minus strand). VCF-style: chr16-70277111-A-G. GRCh37 (hg19) VCF-style: chr16-70311014-A-G.
Other names: short protein forms M63T.
Identifiers: ClinVar variation 2163784 (VCV002163784.5), dbSNP rs2507029751, ClinGen allele CA396569763.